The following is an entry in ClinVar:

ClinVar aggregate classification (germline): Likely pathogenic (1 of 4 stars; one submission).

Submission:

GeneDx
Classification: Likely pathogenic. Last evaluated: 2013-08-19. Review status: criteria provided, single submitter. Criteria: GeneDx Variant Classification (06012015). Collection method: clinical testing. Allele origin: germline. Affected: yes.
Comment: p.Gly917Arg (GGG>AGG): c.2749 G>A in exon 18 of the POLG gene (NM_002693.2). The Gly917Arg missense change has not been published as a mutation, nor has it been reported as a benign polymorphism to our knowledge. It was not observed in approximately 6,500 individuals of European and African American ancestry in the NHLBI Exome Sequencing Project, indicating it is not a common benign variant in these populations. The amino acid substitution is non-conservative as an uncharged, non-polar Glycine residue is replaced by a positively charged, polar Arginine residue. Gly917Arg alters a conserved position in the polymerase domain of the DNA polymerase subunit gamma-1 protein and other missense mutations at nearby codons have been reported in in association with POLG-related disorders. In addition, multiple in-silico algorithms predict Gly917Arg is damaging to the structure/function of the protein. Therefore, based on the currently available information, Gly917Arg is a strong candidate for a disease-causing mutation, although the possibility that it is a benign variant cannot be excluded. The variant is found in CHILD-EPI panel(s).

NM_002693.3(POLG):c.2749G>A (p.Gly917Arg)

Genes: POLG (DNA polymerase gamma, catalytic subunit; minus strand), POLGARF (POLG alternative reading frame; minus strand). Cytogenetic location: 15q26.1.
Variant type: single nucleotide variant.
Coding change: c.2749G>A on transcript NM_002693.3 (MANE Select); coding-DNA position 2749, G replaced by A.
Protein change: p.Gly917Arg; replaces glycine 917 with arginine.
Molecular consequence: missense variant.
Genome position (GRCh38, 1-based): chr15:89,320,998, C>T on the plus strand (G>A on the coding strand, the complement: POLG is on the minus strand). VCF-style: chr15-89320998-C-T. GRCh37 (hg19) VCF-style: chr15-89864229-C-T.
Other names: p.G917R:GGG>AGG; c.2749G>A, p.Gly917Arg (NM_001126131.2); short protein forms G917R.
Identifiers: ClinVar variation 206533 (VCV000206533.2), dbSNP rs796052890, ClinGen allele CA316711.